The following is an entry in ClinVar:

ClinVar aggregate classification (germline): Likely benign (1 of 4 stars; one submission).

gnomAD v4.1: 248 of 1,613,224 alleles (0.015%); highest among the groups gnomAD compares: Non-Finnish European, 0.019%; no homozygotes.

Submission:

CeGaT Center for Human Genetics Tuebingen
Classification: Likely benign. Last evaluated: 2024-12-01. Review status: criteria provided, single submitter. Criteria: CeGaT Center For Human Genetics Tuebingen Variant Classification Criteria Version 2. Collection method: clinical testing. Allele origin: germline. Affected: yes. Observed: 1 variant allele.
Comment: KCNN2: BP4

NM_021614.4(KCNN2):c.972G>A (p.Lys324=)

Gene: KCNN2 (potassium calcium-activated channel subfamily N member 2; plus strand). Cytogenetic location: 5q22.3.
Variant type: single nucleotide variant.
Coding change: c.972G>A on transcript NM_021614.4 (MANE Select); coding-DNA position 972, G replaced by A.
Protein change: p.Lys324=; no amino-acid change (lysine 324 retained).
Molecular consequence: synonymous variant. On other transcripts: non-coding transcript variant (1).
Genome position (GRCh38, 1-based): chr5:114,363,111, G>A. VCF-style: chr5-114363111-G-A. GRCh37 (hg19) VCF-style: chr5-113698808-G-A.
Other names: c.1170G>A, p.Lys390= (NM_001372233.1).
Identifiers: ClinVar variation 3771537 (VCV003771537.13).
Genomic context (GRCh38, chr5:114,363,111, plus strand): 5'-AGGCGGCGGCGGTGGCGGGAGCGGGCACGGCAGCAGCAGTGGCACCAAGTCCAGCAAAAA[G>A]AAAAACCAGAACATCGGCTACAAGCTGGGCCACCGGCGCGCCCTGTTCGAAAAGCGCAAG-3'
Protein context (NP_067627.3, residues 314-334): GSSSGTKSSK[Lys324=]KNQNIGYKLG